The following is an entry in ClinVar:

ClinVar aggregate classification (germline): Likely pathogenic (1 of 4 stars; one submission).

Conditions:
Dilated cardiomyopathy 1G (CMD1G). Identifiers: Orphanet 154, MedGen C1858763, MONDO:0011400, OMIM 604145.
Autosomal recessive limb-girdle muscular dystrophy type 2J (LGMDR10). Also called: Limb-girdle muscular dystrophy, type 2J; MUSCULAR DYSTROPHY, LIMB-GIRDLE, AUTOSOMAL RECESSIVE 10. Identifiers: Orphanet 140922, MedGen C1837342, MONDO:0012127, OMIM 608807.

Submission:

Labcorp Genetics (formerly Invitae), Labcorp
Classification: Likely pathogenic for Dilated cardiomyopathy 1G; Autosomal recessive limb-girdle muscular dystrophy type 2J. Last evaluated: 2022-04-02. Review status: criteria provided, single submitter. Criteria: Invitae Variant Classification Sherloc (09022015). Collection method: clinical testing. Allele origin: germline.
Comment: This variant is located in the A band of TTN (PMID: 25589632). Truncating variants in this region are significantly overrepresented in patients affected with dilated cardiomyopathy (PMID: 25589632). Truncating variants in this region have also been reported in individuals affected with autosomal recessive centronuclear myopathy (PMID: 23975875). Algorithms developed to predict the effect of sequence changes on RNA splicing suggest that this variant may create or strengthen a splice site. This variant has not been reported in the literature in individuals affected with TTN-related conditions. This variant is not present in population databases (gnomAD no frequency). This sequence change creates a premature translational stop signal (p.Tyr29313Glyfs*90) in the TTN gene. While this is not anticipated to result in nonsense mediated decay, it is expected to create a truncated TTN protein. In summary, the currently available evidence indicates that the variant is pathogenic, but additional data are needed to prove that conclusively. Therefore, this variant has been classified as Likely Pathogenic.

Literature cited by the submitters: PubMed 25589632; PubMed 23975875.

NM_001267550.2(TTN):c.87931_87935dup (p.Tyr29313fs)

Genes: TTN-AS1 (TTN antisense RNA 1; plus strand), TTN (titin; minus strand). Cytogenetic location: 2q31.2.
Variant type: Duplication.
Coding change: c.87931_87935dup on transcript NM_001267550.2 (MANE Select); coding-DNA positions 87931 to 87935, 5 bases duplicated (AGGGT; older notation c.87931_87935dupAGGGT).
Protein change: p.Tyr29313fs; shifts the reading frame from tyrosine 29313.
Molecular consequence: frameshift variant.
Genome position (GRCh38, 1-based): chr2:178,557,327-178,557,331, ACCCT duplicated on the plus strand (AGGGT on the coding strand, the reverse complement: TTN is on the minus strand). VCF-style (leftmost placement, unchanged base first): chr2-178557326-C-CACCCT. GRCh37 (hg19) VCF-style: chr2-179422053-C-CACCCT.
Other names: c.83008_83012dup, p.Tyr27672fs (NM_001256850.1); c.60736_60740dup, p.Tyr20248fs (NM_003319.4); c.80227_80231dup, p.Tyr26745fs (NM_133378.4); c.61111_61115dup, p.Tyr20373fs (NM_133432.3); c.61312_61316dup, p.Tyr20440fs (NM_133437.4); short protein forms Y26745fs, Y29313fs, Y20373fs, Y20440fs, Y20248fs, Y27672fs.
Identifiers: ClinVar variation 1345183 (VCV001345183.8), dbSNP rs2154155550, ClinGen allele CA2573134129.